The following is an entry in ClinVar:

NM_001854.4(COL11A1):c.4036C>T (p.Pro1346Ser)

Gene: COL11A1 (collagen type XI alpha 1 chain; minus strand). Cytogenetic location: 1p21.1.
Variant type: single nucleotide variant.
Coding change: c.4036C>T on transcript NM_001854.4 (MANE Select); coding-DNA position 4036, C replaced by T.
Protein change: p.Pro1346Ser; replaces proline 1346 with serine.
Molecular consequence: missense variant. On other transcripts: non-coding transcript variant (1).
Genome position (GRCh38, 1-based): chr1:102,912,209, G>A on the plus strand (C>T on the coding strand, the complement: COL11A1 is on the minus strand). VCF-style: chr1-102912209-G-A. GRCh37 (hg19) VCF-style: chr1-103377765-G-A.
Other names: c.3919C>T, p.Pro1307Ser (NM_001190709.2); c.4072C>T, p.Pro1358Ser (NM_080629.3); c.3688C>T, p.Pro1230Ser (NM_080630.4); short protein forms P1307S, P1358S, P1230S, P1346S.
Identifiers: ClinVar variation 1494518 (VCV001494518.6), dbSNP rs1233186933, ClinGen allele CA341160244.

ClinVar aggregate classification (germline): Uncertain significance (1 of 4 stars; one submission).

Allele frequency attached by ClinVar (database versions not stated): gnomAD exomes below 0.00001 and 0.00001.
gnomAD v4.1: 4 of 1,608,648 alleles (0.00025%); highest among the groups gnomAD compares: Middle Eastern, 0.017%; no homozygotes.

Submission:

Labcorp Genetics (formerly Invitae), Labcorp
Classification: Uncertain significance. Last evaluated: 2025-07-20. Review status: criteria provided, single submitter. Criteria: Invitae Variant Classification Sherloc (09022015). Collection method: clinical testing. Allele origin: germline.
Comment: This sequence change replaces proline, which is neutral and non-polar, with serine, which is neutral and polar, at codon 1346 of the COL11A1 protein (p.Pro1346Ser). The frequency data for this variant in the population databases is considered unreliable, as metrics indicate poor data quality at this position in the gnomAD database. This variant has not been reported in the literature in individuals affected with COL11A1-related conditions. ClinVar contains an entry for this variant (Variation ID: 1494518). Invitae Evidence Modeling of protein sequence and biophysical properties (such as structural, functional, and spatial information, amino acid conservation, physicochemical variation, residue mobility, and thermodynamic stability) indicates that this missense variant is not expected to disrupt COL11A1 protein function with a negative predictive value of 80%. In summary, the available evidence is currently insufficient to determine the role of this variant in disease. Therefore, it has been classified as a Variant of Uncertain Significance.